The following is an entry in ClinVar:

NM_152309.3(PIK3AP1):c.1342G>C (p.Ala448Pro)

Genes: PIK3AP1 (phosphoinositide-3-kinase adaptor protein 1; minus strand), LOC130004439 (ATAC-STARR-seq lymphoblastoid active region 3829; plus strand). Cytogenetic location: 10q24.1.
Variant type: single nucleotide variant.
Coding change: c.1342G>C on transcript NM_152309.3 (MANE Select); coding-DNA position 1342, G replaced by C.
Protein change: p.Ala448Pro; replaces alanine 448 with proline.
Molecular consequence: missense variant.
Genome position (GRCh38, 1-based): chr10:96,645,506, C>G on the plus strand (G>C on the coding strand, the complement: PIK3AP1 is on the minus strand). VCF-style: chr10-96645506-C-G. GRCh37 (hg19) VCF-style: chr10-98405263-C-G.
Other names: short protein forms A448P.
Identifiers: ClinVar variation 835370 (VCV000835370.1), dbSNP rs1843446161, ClinGen allele CA377744207.

ClinVar aggregate classification (germline): Uncertain significance (1 of 4 stars; one submission).

Conditions:
Infantile spasms. Also called: Infantile spasm. Identifiers: MedGen C3887898, HP:0012469.

Submission:

Labcorp Genetics (formerly Invitae), Labcorp
Classification: Uncertain significance for Infantile spasms. Last evaluated: 2019-11-25. Review status: criteria provided, single submitter. Criteria: Invitae Variant Classification Sherloc (09022015). Collection method: clinical testing. Allele origin: germline.
Comment: This sequence change replaces alanine with proline at codon 448 of the PIK3AP1 protein (p.Ala448Pro). The alanine residue is highly conserved and there is a small physicochemical difference between alanine and proline. This variant is not present in population databases (ExAC no frequency). This variant has not been reported in the literature in individuals with PIK3AP1-related conditions. Algorithms developed to predict the effect of missense changes on protein structure and function are either unavailable or do not agree on the potential impact of this missense change (SIFT: "Tolerated"; PolyPhen-2: "Probably Damaging"; Align-GVGD: "Class C0"). In summary, the available evidence is currently insufficient to determine the role of this variant in disease. Therefore, it has been classified as a Variant of Uncertain Significance.